The following is an entry in ClinVar:

NM_152419.3(HGSNAT):c.*1942A>G

Gene: HGSNAT (heparan-alpha-glucosaminide N-acetyltransferase; plus strand). Cytogenetic location: 8p11.1.
Variant type: single nucleotide variant.
Coding change: c.*1942A>G on transcript NM_152419.3 (MANE Select); 1942 bases downstream of the stop codon, A replaced by G.
Molecular consequence: 3 prime UTR variant.
Genome position (GRCh38, 1-based): chr8:43,201,511, A>G. VCF-style: chr8-43201511-A-G. GRCh37 (hg19) VCF-style: chr8-43056654-A-G.
Other names: c.*1942A>G (NM_001363227.2, NM_001363228.2, NM_001363229.2).
Identifiers: ClinVar variation 909684 (VCV000909684.4), dbSNP rs112626858, ClinGen allele CA15550038.

ClinVar aggregate classification (germline): Benign (1 of 4 stars; one submission).

Conditions:
Mucopolysaccharidosis, MPS-III-C (MPS3C). Also called: mucopolysaccharidosis type 3C; MUCOPOLYSACCHARIDOSIS, TYPE IIIC; SANFILIPPO SYNDROME C; MPS III C; Mucopolysaccharidosis type IIIC (Sanfilippo C); MPS IIIC (Sanfilippo Syndrome Type C). Identifiers: Orphanet 581, Orphanet 79271, MedGen C0086649, MONDO:0009657, OMIM 252930.

Allele frequency attached by ClinVar (database versions not stated): TOPMed 0.00610; 1000 Genomes Project 0.00699; 1000 Genomes Project 30x 0.00609.

Submission:

Illumina Laboratory Services, Illumina
Classification: Benign for Mucopolysaccharidosis, MPS-III-C. Last evaluated: 2017-04-27. Review status: criteria provided, single submitter. Criteria: ICSL Variant Classification Criteria 13 December 2019. Collection method: clinical testing. Allele origin: germline.
Comment: This variant was observed as part of a predisposition screen in an ostensibly healthy population. A literature search was performed for the gene, cDNA change, and amino acid change (where applicable). No publications were found based on this search. Allele frequency data from public databases was too high to be consistent with this variant causing disease. Therefore, this variant is classified as benign.